The following is an entry in ClinVar:

ClinVar aggregate classification (germline): Uncertain significance (1 of 4 stars; one submission).

Conditions:
Epidermolysis bullosa simplex 5B, with muscular dystrophy (EBS5B). Also called: EPIDERMOLYSIS BULLOSA SIMPLEX AND LIMB-GIRDLE MUSCULAR DYSTROPHY; Epidermolysis bullosa simplex with muscular dystrophy. Identifiers: Orphanet 257, MedGen C2931072, MONDO:0009181, OMIM 226670.
Epidermolysis bullosa simplex, Ogna type (EBS5A). Also called: EPIDERMOLYSIS BULLOSA SIMPLEX 5A, OGNA TYPE; Pidermolysis bullosa simplex 5A, Ogna type. Identifiers: Orphanet 79401, MedGen C0432317, MONDO:0007555, OMIM 131950.
Epidermolysis bullosa simplex with nail dystrophy (EBS5D). Identifiers: MedGen C4225309, MONDO:0014661, OMIM 616487.
Autosomal recessive limb-girdle muscular dystrophy type 2Q (LGMDR17). Also called: MUSCULAR DYSTROPHY, LIMB-GIRDLE, AUTOSOMAL RECESSIVE 17. Identifiers: Orphanet 254361, MedGen C3150989, MONDO:0013390, OMIM 613723.
Epidermolysis bullosa simplex 5C, with pyloric atresia (EBS5C). Also called: Epidermolysis bullosa simplex with pyloric atresia; PLEC-Related Epidermolysis Bullosa with Pyloric Atresia; PLEC1-Related Epidermolysis Bullosa with Pyloric Atresia. Identifiers: Orphanet 158684, MedGen C2677349, MONDO:0012807, OMIM 612138.

Allele frequency attached by ClinVar (database versions not stated): gnomAD exomes below 0.00001; gnomAD 0.00001.
gnomAD v4.1: 2 of 1,598,702 alleles (0.00013%); highest among the groups gnomAD compares: Non-Finnish European, 0.00017%; no homozygotes.

Submission:

Labcorp Genetics (formerly Invitae), Labcorp
Classification: Uncertain significance for Autosomal recessive limb-girdle muscular dystrophy type 2Q; Epidermolysis bullosa simplex, Ogna type; Epidermolysis bullosa simplex with nail dystrophy; Epidermolysis bullosa simplex 5C, with pyloric atresia; Epidermolysis bullosa simplex 5B, with muscular dystrophy. Last evaluated: 2025-10-02. Review status: criteria provided, single submitter. Criteria: Invitae Variant Classification Sherloc (09022015). Collection method: clinical testing. Allele origin: germline.
Comment: This sequence change replaces glutamine, which is neutral and polar, with lysine, which is basic and polar, at codon 2646 of the PLEC protein (p.Gln2646Lys). This variant is not present in population databases (gnomAD no frequency). This variant has not been reported in the literature in individuals affected with PLEC-related conditions. ClinVar contains an entry for this variant (Variation ID: 1411334). Invitae Evidence Modeling of protein sequence and biophysical properties (such as structural, functional, and spatial information, amino acid conservation, physicochemical variation, residue mobility, and thermodynamic stability) indicates that this missense variant is not expected to disrupt PLEC protein function with a negative predictive value of 80%. In summary, the available evidence is currently insufficient to determine the role of this variant in disease. Therefore, it has been classified as a Variant of Uncertain Significance.

NM_201384.3(PLEC):c.7855C>A (p.Gln2619Lys)

Gene: PLEC (plectin; minus strand). Cytogenetic location: 8q24.3.
Variant type: single nucleotide variant.
Coding change: c.7855C>A on transcript NM_201384.3 (MANE Select); coding-DNA position 7855, C replaced by A.
Protein change: p.Gln2619Lys; replaces glutamine 2619 with lysine.
Molecular consequence: missense variant.
Genome position (GRCh38, 1-based): chr8:143,921,966, G>T on the plus strand (C>A on the coding strand, the complement: PLEC is on the minus strand). VCF-style: chr8-143921966-G-T. GRCh37 (hg19) VCF-style: chr8-144996134-G-T.
Other names: c.7936C>A, p.Gln2646Lys (NM_000445.5); c.7813C>A, p.Gln2605Lys (NM_201378.4); c.7789C>A, p.Gln2597Lys (NM_201379.3); c.8266C>A, p.Gln2756Lys (NM_201380.4); c.7759C>A, p.Gln2587Lys (NM_201381.3); c.7855C>A, p.Gln2619Lys (NM_201382.4); c.7867C>A, p.Gln2623Lys (NM_201383.3); short protein forms Q2587K, Q2597K, Q2605K, Q2619K, Q2623K, Q2646K, Q2756K.
Identifiers: ClinVar variation 1411334 (VCV001411334.6), dbSNP rs1822925383, ClinGen allele CA372521616.